The following is an entry in ClinVar:

NM_017777.4(MKS1):c.538C>T (p.Arg180Cys)

Gene: MKS1 (MKS transition zone complex subunit 1; minus strand). Cytogenetic location: 17q22.
Variant type: single nucleotide variant.
Coding change: c.538C>T on transcript NM_017777.4 (MANE Select); coding-DNA position 538, C replaced by T.
Protein change: p.Arg180Cys; replaces arginine 180 with cysteine.
Molecular consequence: missense variant. On other transcripts: 5 prime UTR variant (1).
Genome position (GRCh38, 1-based): chr17:58,214,365, G>A on the plus strand (C>T on the coding strand, the complement: MKS1 is on the minus strand). VCF-style: chr17-58214365-G-A. GRCh37 (hg19) VCF-style: chr17-56291726-G-A.
Other names: p.Arg180Cys; c.-72C>T (NM_001321268.2); c.538C>T, p.Arg180Cys (NM_001321269.2, NM_001330397.2); short protein forms R180C.
Identifiers: ClinVar variation 435875 (VCV000435875.20), dbSNP rs559966703, ClinGen allele CA8669475.
Genomic context (GRCh38, chr17:58,214,365, plus strand): 5'-GGGTGTTAATGACGTGGTTGTTCCTGACAAACTCTTCTGAGGGCTCCCAGGTGACGATGC[G>A]TGACTTGAGGATGCCGCCCTCCCTGGGAGACACCACAGAAAGGTCACTTCCCTGGCACAC-3'
Protein context (NP_060247.2, residues 170-190): RGMEGGILKS[Arg180Cys]IVTWEPSEEF

ClinVar aggregate classification (germline): Uncertain significance. Review status: criteria provided, multiple submitters, no conflicts (2 of 4 stars). 7 submissions from 6 submitters: Uncertain significance (6). 1 of the submissions does not count toward it. Last evaluated 2025-01-27.

Conditions:
Joubert syndrome. Also called: Familial aplasia of the vermis; JOUBERT-BOLTSHAUSER SYNDROME. Identifiers: Orphanet 475, MedGen C5979921, MONDO:0018772.
Meckel-Gruber syndrome. Also called: DYSENCEPHALIA SPLANCHNOCYSTICA; GRUBER SYNDROME; Dysencephalia splachnocystica. Identifiers: Orphanet 564, MedGen C0265215, MONDO:0018921.
Meckel syndrome, type 1 (MKS1). Also called: MECKEL-GRUBER SYNDROME, TYPE 1. Identifiers: Orphanet 564, MedGen C3714506, MONDO:0009571, OMIM 249000.
Bardet-Biedl syndrome 13 (BBS13). Identifiers: Orphanet 110, MedGen C2673873, MONDO:0014441, OMIM 615990.
MKS1-related disorder. Also called: MKS1-related condition; MKS1-related disorders. Identifiers: MedGen CN239382.

Allele frequency attached by ClinVar (database versions not stated): gnomAD 0.00002; TOPMed 0.00005; ExAC 0.00007; gnomAD exomes 0.00008; 1000 Genomes Project 30x 0.00016; 1000 Genomes Project 0.00020.
gnomAD v4.1: 41 of 1,613,558 alleles (0.0025%); highest among the groups gnomAD compares: Admixed American, 0.04%; no homozygotes.

Submissions (7):

Mayo Clinic Laboratories, Mayo Clinic
Classification: Uncertain significance. Last evaluated: 2025-01-27. Review status: criteria provided, single submitter. Criteria: ACMG Guidelines, 2015. Collection method: clinical testing. Allele origin: germline. Observed: 2 variant alleles.

Labcorp Genetics (formerly Invitae), Labcorp
Classification: Uncertain significance for Joubert syndrome; Meckel-Gruber syndrome. Last evaluated: 2022-08-08. Review status: criteria provided, single submitter. Criteria: Invitae Variant Classification Sherloc (09022015). Collection method: clinical testing. Allele origin: germline.
Comment: This sequence change replaces arginine, which is basic and polar, with cysteine, which is neutral and slightly polar, at codon 180 of the MKS1 protein (p.Arg180Cys). This variant is present in population databases (rs559966703, gnomAD 0.04%). This variant has not been reported in the literature in individuals affected with MKS1-related conditions. ClinVar contains an entry for this variant (Variation ID: 435875). Advanced modeling of protein sequence and biophysical properties (such as structural, functional, and spatial information, amino acid conservation, physicochemical variation, residue mobility, and thermodynamic stability) performed at Invitae indicates that this missense variant is expected to disrupt MKS1 protein function. In summary, the available evidence is currently insufficient to determine the role of this variant in disease. Therefore, it has been classified as a Variant of Uncertain Significance.

Eurofins Ntd Llc (ga)
Classification: Uncertain significance. Last evaluated: 2018-03-27. Review status: criteria provided, single submitter. Criteria: EGL ClinVar v180209 classification definitions. Collection method: clinical testing. Allele origin: germline. Observed: 1 variant allele, 1 heterozygote.

Illumina Laboratory Services, Illumina
Classification: Uncertain significance for Bardet-Biedl syndrome 13. Last evaluated: 2017-04-27. Review status: criteria provided, single submitter. Criteria: ICSL Variant Classification Criteria 13 December 2019. Collection method: clinical testing. Allele origin: germline.

Illumina Laboratory Services, Illumina
Classification: Uncertain significance for Meckel syndrome, type 1. Last evaluated: 2017-04-27. Review status: criteria provided, single submitter. Criteria: ICSL Variant Classification Criteria 13 December 2019. Collection method: clinical testing. Allele origin: germline.

Genetic Services Laboratory, University of Chicago
Classification: Uncertain significance. Last evaluated: 2016-04-08. Review status: criteria provided, single submitter. Criteria: ACMG Guidelines, 2015. Collection method: clinical testing. Allele origin: germline. Affected: no.

PreventionGenetics, part of Exact Sciences
Classification: Uncertain significance for MKS1-related condition. Last evaluated: 2024-02-28. Review status: no assertion criteria provided. Collection method: clinical testing. Allele origin: germline. Not counted in ClinVar's aggregate classification.
Comment: The MKS1 c.538C>T variant is predicted to result in the amino acid substitution p.Arg180Cys. To our knowledge, this variant has not been reported in the literature. This variant is reported in 0.048% of alleles in individuals of Latino descent in gnomAD. At this time, the clinical significance of this variant is uncertain due to the absence of conclusive functional and genetic evidence.